The following is an entry in ClinVar:

NM_144508.5(KNL1):c.285-1012_322+616del

Gene: KNL1 (kinetochore scaffold 1; plus strand). Cytogenetic location: 15q15.1.
Variant type: Deletion.
Coding change: c.285-1012_322+616del on transcript NM_144508.5 (MANE Select); 1012 bases into the intron before coding-DNA position 285 through 616 bases into the intron after coding-DNA position 322, 1,666 bases deleted.
Molecular consequence: splice acceptor variant, splice donor variant.
Genome position (GRCh38, 1-based): chr15:40,614,329-40,615,994, 1,666 bases deleted. GRCh37 (hg19): chr15:40,906,527-40,908,192.
Other names: c.363-1012_400+616del (NM_170589.5).
Identifiers: ClinVar variation 4857666 (VCV004857666.1).

ClinVar aggregate classification (germline): Uncertain significance (1 of 4 stars; one submission).

Conditions:
Microcephaly 4, primary, autosomal recessive. Identifiers: Orphanet 2512, MedGen C1858516, MONDO:0011437, OMIM 604321.

Submission:

Harry Perkins Institute Of Medical Research, University Of Western Australia
Classification: Uncertain significance for Microcephaly 4, primary, autosomal recessive. Review status: criteria provided, single submitter. Criteria: ACMG Guidelines, 2015. Collection method: research. Allele origin: paternal. Inheritance: Autosomal recessive inheritance. Affected: yes. Observed: 1 compound heterozygote.
Comment: PVS1_Very_Strong, PM2_Supporting: Out-of-frame deletion encompassing Exon 8 subjected to nonsense-mediated decay. Rare variant for recessive phenotype: Two gnomad tracks overlapping this deletion: DEL_CHR15_0E220F9C (x1 SA het) and DEL_CHR15_6195C9C0 (x1 SA het, x1 European het), 0 hom in both; Additional information: This variant is in trans with a missense variant, c.6494C>T,p.Ala2165Val, locating in the RWD domain.